The following is an entry in ClinVar:

NM_007294.4(BRCA1):c.232A>T (p.Arg78Ter)

Gene: BRCA1 (BRCA1 DNA repair associated; minus strand). Cytogenetic location: 17q21.31.
Variant type: single nucleotide variant.
Coding change: c.232A>T on transcript NM_007294.4 (MANE Select); coding-DNA position 232, A replaced by T.
Protein change: p.Arg78Ter; replaces arginine 78 with a stop codon.
Molecular consequence: nonsense. On other transcripts: non-coding transcript variant (1).
Genome position (GRCh38, 1-based): chr17:43,104,937, T>A on the plus strand (A>T on the coding strand, the complement: BRCA1 is on the minus strand). VCF-style: chr17-43104937-T-A. GRCh37 (hg19) VCF-style: chr17-41256954-T-A.
Other names: c.232A>T, p.Arg78Ter (NM_007298.4, NM_007299.4, NM_007300.4 and 168 more transcripts); c.22A>T, p.Arg8Ter (NM_001407571.1, NM_001407853.1, NM_001407879.1 and 58 more transcripts); c.154A>T, p.Arg52Ter (NM_001407653.1, NM_001407654.1, NM_001407655.1 and 21 more transcripts); c.91A>T, p.Arg31Ter (NM_001407692.1, NM_001407694.1, NM_001407695.1 and 99 more transcripts); c.-150A>T (NM_001407962.1, NM_001407963.1, NM_001407965.1 and 4 more transcripts); c.100A>T, p.Arg34Ter (NM_001408451.1); short protein forms R31*, R78*, R52*, R34*, R8*.
Identifiers: ClinVar variation 865584 (VCV000865584.4), dbSNP rs2054692881, ClinGen allele CA10601697.

Conditions:
Breast-ovarian cancer, familial, susceptibility to, 1 (BROVCA1). Also called: BRCA1 Hereditary Breast and Ovarian Cancer; OVARIAN CANCER, SUSCEPTIBILITY TO. Identifiers: Orphanet 145, MedGen C2676676, MONDO:0011450, OMIM 604370. Disease mechanism: loss of function.

Submission:

Brotman Baty Institute, University of Washington
No classification provided (evidence only). Condition: Breast-ovarian cancer, familial 1. Review status: no classification provided. Collection method: in vitro. Allele origin: not applicable. Functional consequence: functionally_abnormal.
ClinVar note: "not provided" was previously submitted as the classification for the variant. However, the classification appeared to be based only on an observation of functional data so it was converted to no classification on 2025-07-30.